The following is an entry in ClinVar:

NM_022893.4(BCL11A):c.1381A>G (p.Ser461Gly)

Gene: BCL11A (BCL11 transcription factor A; minus strand). Cytogenetic location: 2p16.1.
Variant type: single nucleotide variant.
Coding change: c.1381A>G on transcript NM_022893.4 (MANE Select); coding-DNA position 1381, A replaced by G.
Protein change: p.Ser461Gly; replaces serine 461 with glycine.
Molecular consequence: missense variant. On other transcripts: intron variant (6).
Genome position (GRCh38, 1-based): chr2:60,461,531, T>C on the plus strand (A>G on the coding strand, the complement: BCL11A is on the minus strand). VCF-style: chr2-60461531-T-C. GRCh37 (hg19) VCF-style: chr2-60688666-T-C.
Other names: p.Ser461Gly; c.1279A>G, p.Ser427Gly (NM_001363864.1, NM_001365609.1, NM_001405711.1 and 2 more transcripts); c.1381A>G, p.Ser461Gly (NM_001405708.1, NM_001405709.1, NM_001405710.1 and 1 more transcripts); c.1225A>G, p.Ser409Gly (NM_001405713.1, NM_001405714.1, NM_001405715.1 and 3 more transcripts); c.1123A>G, p.Ser375Gly (NM_001405717.1, NM_001405718.1, NM_001405724.1); c.1048A>G, p.Ser350Gly (NM_001405720.1, NM_001405721.1); c.630+751A>G (NM_138559.2, NM_001405732.1); c.528+751A>G (NM_001405733.1); and 6 more; short protein forms S230G, S309G, S409G, S350G, S130G, S282G, S375G, S427G.
Identifiers: ClinVar variation 4201058 (VCV004201058.2).

ClinVar aggregate classification (germline): Conflicting classifications of pathogenicity. Review status: criteria provided, conflicting classifications (1 of 4 stars). 2 submissions from 2 submitters: Uncertain significance (1); Likely benign (1). Last evaluated 2025-08-27.

Conditions:
Inborn genetic diseases. Identifiers: MedGen C0950123, MeSH D030342.

gnomAD v4.1: 6 of 1,608,932 alleles (0.00037%); highest among the groups gnomAD compares: Admixed American, 0.01%; no homozygotes.

Submissions (2):

Ambry Genetics
Classification: Likely benign for Inborn genetic diseases. Last evaluated: 2025-08-27. Review status: criteria provided, single submitter. Criteria: Ambry Variant Classification Scheme 2023. Collection method: clinical testing. Allele origin: germline.

Mayo Clinic Laboratories, Mayo Clinic
Classification: Uncertain significance. Last evaluated: 2025-07-03. Review status: criteria provided, single submitter. Criteria: ACMG Guidelines, 2015. Collection method: clinical testing. Allele origin: germline. Observed: 1 variant allele.
Comment: BP4_moderate, PM2_supporting